The following is an entry in ClinVar:

NM_003743.5(NCOA1):c.3249T>C (p.Thr1083=)

Gene: NCOA1 (nuclear receptor coactivator 1; plus strand). Cytogenetic location: 2p23.3.
Variant type: single nucleotide variant.
Coding change: c.3249T>C on transcript NM_003743.5 (MANE Select); coding-DNA position 3249, T replaced by C.
Protein change: p.Thr1083=; no amino-acid change (threonine 1083 retained).
Molecular consequence: synonymous variant.
Genome position (GRCh38, 1-based): chr2:24,739,479, T>C. VCF-style: chr2-24739479-T-C. GRCh37 (hg19) VCF-style: chr2-24962348-T-C.
Other names: c.3249T>C, p.Thr1083= (NM_001362950.1, NM_001362952.1, NM_001362954.1 and 3 more transcripts).
Identifiers: ClinVar variation 4977532 (VCV004977532.1).

ClinVar aggregate classification (germline): Likely benign (1 of 4 stars; one submission).

Conditions:
NCOA1-related disorder. Also called: NCOA1-related condition.

Submission:

PreventionGenetics, part of Exact Sciences
Classification: Likely benign for NCOA1-related condition. Last evaluated: 2025-01-21. Review status: criteria provided, single submitter. Criteria: ACMG Guidelines, 2015. Collection method: clinical testing. Allele origin: germline.
Comment: This variant is classified as likely benign based on ACMG/AMP sequence variant interpretation guidelines (Richards et al. 2015 PMID: 25741868, with internal and published modifications).